The following is an entry in ClinVar:

NM_015046.7(SETX):c.7990C>T (p.Leu2664=)

Gene: SETX (senataxin; minus strand). Cytogenetic location: 9q34.13.
Variant type: single nucleotide variant.
Coding change: c.7990C>T on transcript NM_015046.7 (MANE Select); coding-DNA position 7990, C replaced by T.
Protein change: p.Leu2664=; no amino-acid change (leucine 2664 retained).
Molecular consequence: synonymous variant.
Genome position (GRCh38, 1-based): chr9:132,264,283, G>A on the plus strand (C>T on the coding strand, the complement: SETX is on the minus strand). VCF-style: chr9-132264283-G-A. GRCh37 (hg19) VCF-style: chr9-135139670-G-A.
Other names: c.7990C>T, p.Leu2664= (NM_001351527.2); c.8077C>T, p.Leu2693= (NM_001351528.2); c.7990C>T (NM_015046.5).
Identifiers: ClinVar variation 1079872 (VCV001079872.11), dbSNP rs200826214, ClinGen allele CA5296278.

ClinVar aggregate classification (germline): Likely benign. Review status: criteria provided, multiple submitters, no conflicts (2 of 4 stars). 3 submissions from 3 submitters: Likely benign (2). 1 of the submissions does not count toward it. Last evaluated 2025-09-02.

Conditions:
Spinocerebellar ataxia, autosomal recessive, with axonal neuropathy 2 (SCAN2). Also called: Ataxia with Oculomotor Apraxia; Ataxia with Oculomotor Apraxia Type 2; ATAXIA-OCULOMOTOR APRAXIA 2; Ataxia-ocular apraxia-2. Identifiers: Orphanet 64753, MedGen C1853761, MONDO:0018996, OMIM 606002.
Amyotrophic lateral sclerosis type 4 (ALS4). Also called: NEURONOPATHY, DISTAL HEREDITARY MOTOR, WITH PYRAMIDAL FEATURES; AMYOTROPHIC LATERAL SCLEROSIS 4, JUVENILE. Identifiers: Orphanet 357043, MedGen C1865409, MONDO:0011223, OMIM 602433.
SETX-related disorder. Also called: SETX-related disorders; SETX-related condition. Identifiers: MedGen CN239403.

Allele frequency attached by ClinVar (database versions not stated): gnomAD 0.00009 and 0.00012; gnomAD exomes 0.00009 and 0.00012; ExAC 0.00012; 1000 Genomes Project 30x 0.00016; TOPMed 0.00019; 1000 Genomes Project 0.00020.
gnomAD v4.1: 165 of 1,614,156 alleles (0.01%); highest among the groups gnomAD compares: Admixed American, 0.043%; no homozygotes.

Submissions (3):

Labcorp Genetics (formerly Invitae), Labcorp
Classification: Likely benign for Amyotrophic lateral sclerosis type 4; Spinocerebellar ataxia, autosomal recessive, with axonal neuropathy 2. Last evaluated: 2025-09-02. Review status: criteria provided, single submitter. Criteria: Invitae Variant Classification Sherloc (09022015). Collection method: clinical testing. Allele origin: germline.

Blueprint Genetics
Classification: Likely benign. Last evaluated: 2024-09-17. Review status: criteria provided, single submitter. Criteria: ACMG Guidelines, 2015. Collection method: clinical testing. Allele origin: germline.

PreventionGenetics, part of Exact Sciences
Classification: Likely benign for SETX-related condition. Last evaluated: 2024-08-20. Review status: no assertion criteria provided. Collection method: clinical testing. Allele origin: germline. Not counted in ClinVar's aggregate classification.
Comment: This variant is classified as likely benign based on ACMG/AMP sequence variant interpretation guidelines (Richards et al. 2015 PMID: 25741868, with internal and published modifications).